The following is an entry in ClinVar:

ClinVar aggregate classification (germline): Conflicting classifications of pathogenicity. Review status: criteria provided, conflicting classifications (1 of 4 stars). 4 submissions from 4 submitters: Uncertain significance (2); Likely benign (2). Last evaluated 2024-11-19.

Conditions:
Hereditary cancer-predisposing syndrome. Also called: Neoplastic Syndromes, Hereditary; Tumor predisposition; Hereditary Cancer Syndrome; Hereditary neoplastic syndrome. Identifiers: Orphanet 140162, MedGen C0027672, MeSH D009386, MONDO:0015356.
BRCA1-related cancer predisposition. Identifiers: MedGen CN377757, MONDO:0700268.
Hereditary breast ovarian cancer syndrome. Also called: Hereditary breast and ovarian cancer; Hereditary breast and ovarian cancer syndrome (HBOC); Breast and ovarian cancer; Hereditary breast and/or ovarian cancer syndrome; BRCA1- and BRCA2-Associated Hereditary Breast and Ovarian Cancer; Hereditary breast and ovarian cancer syndrome. Identifiers: Orphanet 145, MedGen C0677776, MeSH D061325, MONDO:0003582. Disease mechanism: loss of function.

Submissions (5):

Ambry Genetics
Classification: Likely benign for Hereditary cancer-predisposing syndrome. Last evaluated: 2024-11-19. Review status: criteria provided, single submitter. Criteria: Ambry Variant Classification Scheme 2023. Collection method: clinical testing. Allele origin: germline.

All of Us Research Program, National Institutes of Health
Classification: Uncertain significance for BRCA1-related cancer predisposition. Last evaluated: 2024-05-30. Review status: criteria provided, single submitter. Criteria: ACMG Guidelines, 2015. Collection method: clinical testing. Allele origin: germline. Inheritance: Autosomal dominant inheritance. Observed: 1 variant allele, 1 heterozygote.
Comment: This missense variant replaces leucine with arginine at codon 6 of the BRCA1 protein. Computational prediction suggests that this variant may not impact protein structure and function. Functional studies have reported that this variant does not impact BRCA1 function in BARD1-binding, ubiquitin E3 ligase and haploid cell proliferation assays (PMID: 25823446, 30209399, 35659930). To our knowledge, this variant has not been reported in individuals affected with BRCA1-related disorders in the literature. This variant has not been identified in the general population by the Genome Aggregation Database (gnomAD). The available evidence is insufficient to determine the role of this variant in disease conclusively. Therefore, this variant is classified as a Variant of Uncertain Significance.

This study involves interpretation of variants in research participants for the purpose of population health screening. Participant phenotype was not available at the time of variant classification. Additional details can be found in publication PMID: 35346344, PMCID: PMC8962531

Labcorp Genetics (formerly Invitae), Labcorp
Classification: Uncertain significance for Hereditary breast ovarian cancer syndrome. Last evaluated: 2022-12-29. Review status: criteria provided, single submitter. Criteria: Invitae Variant Classification Sherloc (09022015). Collection method: clinical testing. Allele origin: germline.
Comment: Advanced modeling performed at Invitae incorporating data from internal and/or published experimental studies (PMID: 30209399) indicates that this missense variant is not expected to disrupt BRCA1 function. In summary, the available evidence is currently insufficient to determine the role of this variant in disease. Therefore, it has been classified as a Variant of Uncertain Significance. ClinVar contains an entry for this variant (Variation ID: 869074). This sequence change replaces leucine, which is neutral and non-polar, with arginine, which is basic and polar, at codon 6 of the BRCA1 protein (p.Leu6Arg). This variant is not present in population databases (gnomAD no frequency). This variant has not been reported in the literature in individuals affected with BRCA1-related conditions.

GeneDx
Classification: Likely benign. Last evaluated: 2019-09-24. Review status: criteria provided, single submitter. Criteria: GeneDx Variant Classification Process June 2021. Collection method: clinical testing. Allele origin: germline. Affected: yes.
Comment: Not observed in large population cohorts (Lek et al., 2016); In silico analysis, which includes protein predictors and evolutionary conservation, supports that this variant does not alter protein structure/function; Also known as BRCA1 136T>G; This variant is associated with the following publications: (PMID: 30209399, 25823446, 30219179, 31034466)

Brotman Baty Institute, University of Washington
No classification provided (evidence only). Condition: Breast-ovarian cancer, familial 1. Review status: no classification provided. Collection method: in vitro. Allele origin: not applicable. Functional consequence: functionally_normal. Not counted in ClinVar's aggregate classification.
ClinVar note: "not provided" was previously submitted as the classification for the variant. However, the classification appeared to be based only on an observation of functional data so it was converted to no classification on 2025-07-30.

Literature cited by the submitters: PubMed 30209399 (cited by 3 submitters); PubMed 25823446 (cited by All of Us Research Program, National Institutes of Health); PubMed 35659930 (cited by All of Us Research Program, National Institutes of Health).

NM_007294.4(BRCA1):c.17T>G (p.Leu6Arg)

Gene: BRCA1 (BRCA1 DNA repair associated; minus strand). Cytogenetic location: 17q21.31.
Variant type: single nucleotide variant.
Coding change: c.17T>G on transcript NM_007294.4 (MANE Select); coding-DNA position 17, T replaced by G.
Protein change: p.Leu6Arg; replaces leucine 6 with arginine.
Molecular consequence: missense variant. On other transcripts: 5 prime UTR variant (1), non-coding transcript variant (1).
Genome position (GRCh38, 1-based): chr17:43,124,080, A>C on the plus strand (T>G on the coding strand, the complement: BRCA1 is on the minus strand). VCF-style: chr17-43124080-A-C. GRCh37 (hg19) VCF-style: chr17-41276097-A-C.
Other names: c.-172T>G (NM_001407571.1, NM_001407853.1, NM_001407879.1 and 46 more transcripts); c.17T>G, p.Leu6Arg (NM_001407581.1, NM_001407582.1, NM_001407583.1 and 193 more transcripts); c.-241T>G (NM_001407694.1, NM_001407724.1, NM_001407727.1 and 11 more transcripts); c.-245T>G (NM_001407695.1, NM_001408465.1); c.-386T>G (NM_001407696.1); c.-270T>G (NM_001407697.1, NM_001407846.1, NM_001407920.1); c.-71T>G (NM_001407698.1, NM_001407732.1, NM_001407736.1 and 23 more transcripts); c.-244T>G (NM_001407725.1, NM_001407730.1, NM_001407734.1 and 22 more transcripts); and 8 more; short protein forms L6R.
Identifiers: ClinVar variation 869074 (VCV000869074.11), dbSNP rs2055741739, ClinGen allele CA10602124.